The following is an entry in ClinVar:

NM_000501.4(ELN):c.2114T>C (p.Leu705Ser)

Gene: ELN (elastin; plus strand). Cytogenetic location: 7q11.23.
Variant type: single nucleotide variant.
Coding change: c.2114T>C on transcript NM_000501.4 (MANE Select); coding-DNA position 2114, T replaced by C.
Protein change: p.Leu705Ser; replaces leucine 705 with serine.
Molecular consequence: missense variant.
Genome position (GRCh38, 1-based): chr7:74,066,759, T>C. VCF-style: chr7-74066759-T-C. GRCh37 (hg19) VCF-style: chr7-73481089-T-C.
Other names: c.1973T>C, p.Leu658Ser (NM_001081752.3); c.2018T>C, p.Leu673Ser (NM_001081753.3); c.2075T>C, p.Leu692Ser (NM_001081754.3); c.2057T>C, p.Leu686Ser (NM_001081755.3); c.2060T>C, p.Leu687Ser (NM_001278912.2); c.1871T>C, p.Leu624Ser (NM_001278913.2); c.2042T>C, p.Leu681Ser (NM_001278914.2); c.2132T>C, p.Leu711Ser (NM_001278915.2); and 4 more; short protein forms L624S, L695S, L705S, L598S, L639S, L673S, L692S, L711S.
Identifiers: ClinVar variation 2771516 (VCV002771516.3), dbSNP rs2486775194, ClinGen allele CA367891746.

ClinVar aggregate classification (germline): Uncertain significance (1 of 4 stars; one submission).

Conditions:
Supravalvar aortic stenosis (SVAS). Also called: Supravalvar aortic stenosis, Eisenberg type. Identifiers: Orphanet 3193, MedGen C0003499, MONDO:0008504, OMIM 185500, HP:0004381.

Submission:

Labcorp Genetics (formerly Invitae), Labcorp
Classification: Uncertain significance for Supravalvar aortic stenosis. Last evaluated: 2023-10-24. Review status: criteria provided, single submitter. Criteria: Invitae Variant Classification Sherloc (09022015). Collection method: clinical testing. Allele origin: germline.
Comment: This sequence change replaces leucine, which is neutral and non-polar, with serine, which is neutral and polar, at codon 767 of the ELN protein (p.Leu767Ser). This variant is not present in population databases (gnomAD no frequency). This variant has not been reported in the literature in individuals affected with ELN-related conditions. Advanced modeling of protein sequence and biophysical properties (such as structural, functional, and spatial information, amino acid conservation, physicochemical variation, residue mobility, and thermodynamic stability) performed at Invitae indicates that this missense variant is not expected to disrupt ELN protein function with a negative predictive value of 80%. In summary, the available evidence is currently insufficient to determine the role of this variant in disease. Therefore, it has been classified as a Variant of Uncertain Significance.